The following is an entry in ClinVar:

NM_001166108.2(PALLD):c.1965-12627A>G

Gene: PALLD (palladin, cytoskeletal associated protein; plus strand). Cytogenetic location: 4q32.3.
Variant type: single nucleotide variant.
Coding change: c.1965-12627A>G on transcript NM_001166108.2 (MANE Select); 12627 bases into the intron before coding-DNA position 1965, A replaced by G.
Molecular consequence: intron variant. On other transcripts: missense variant (1).
Genome position (GRCh38, 1-based): chr4:168,878,295, A>G. VCF-style: chr4-168878295-A-G. GRCh37 (hg19) VCF-style: chr4-169799446-A-G.
Other names: c.404A>G, p.His135Arg (NM_001166110.2); c.1965-12627A>G (NM_016081.4); c.819-12627A>G (NM_001166109.2); c.-157-12627A>G (NM_001367570.1, NM_001367568.1, NM_001367567.1 and 1 more transcripts); short protein forms H135R.
Identifiers: ClinVar variation 4564198 (VCV004564198.1).

ClinVar aggregate classification (germline): Uncertain significance (1 of 4 stars; one submission).

Submission:

Ambry Genetics
Classification: Uncertain significance. Last evaluated: 2025-11-30. Review status: criteria provided, single submitter. Criteria: Ambry Variant Classification Scheme 2023. Collection method: clinical testing. Allele origin: germline.
Comment: The p.H135R variant (also known as c.404A>G), located in coding exon 1 of the PALLD gene, results from an A to G substitution at nucleotide position 404. The histidine at codon 135 is replaced by arginine, an amino acid with highly similar properties. This amino acid position is conserved. In addition, this alteration is predicted to be tolerated by in silico analysis. Based on the available evidence, the clinical significance of this variant remains unclear.